The following is an entry in ClinVar:

ClinVar aggregate classification (germline): Uncertain significance (1 of 4 stars; one submission).

Submission:

Ambry Genetics
Classification: Uncertain significance. Last evaluated: 2026-05-22. Review status: criteria provided, single submitter. Criteria: Ambry Variant Classification Scheme 2023. Collection method: clinical testing. Allele origin: germline.
Comment: The p.E754Q variant (also known as c.2260G>C), located in coding exon 1 of the TET2 gene, results from a G to C substitution at nucleotide position 2260. The glutamic acid at codon 754 is replaced by glutamine, an amino acid with highly similar properties. This amino acid position is conserved. In addition, this alteration is predicted to be tolerated by in silico analysis. Based on the available evidence, the clinical significance of this variant remains unclear.

NM_001127208.3(TET2):c.2260G>C (p.Glu754Gln)

Genes: TET2 (tet methylcytosine dioxygenase 2; plus strand), TET2-AS1 (TET2 antisense RNA 1; minus strand). Cytogenetic location: 4q24.
Variant type: single nucleotide variant.
Coding change: c.2260G>C on transcript NM_001127208.3 (MANE Select); coding-DNA position 2260, G replaced by C.
Protein change: p.Glu754Gln; replaces glutamic acid 754 with glutamine.
Molecular consequence: missense variant.
Genome position (GRCh38, 1-based): chr4:105,236,202, G>C. VCF-style: chr4-105236202-G-C. GRCh37 (hg19) VCF-style: chr4-106157359-G-C.
Other names: c.2260G>C, p.Glu754Gln (NM_017628.4); short protein forms E754Q.
Identifiers: ClinVar variation 4865583 (VCV004865583.1).